The following is an entry in ClinVar:

NM_000179.3(MSH6):c.1894A>G (p.Lys632Glu)

Gene: MSH6 (mutS homolog 6; plus strand). Cytogenetic location: 2p16.3.
Variant type: single nucleotide variant.
Coding change: c.1894A>G on transcript NM_000179.3 (MANE Select); coding-DNA position 1894, A replaced by G.
Protein change: p.Lys632Glu; replaces lysine 632 with glutamic acid.
Molecular consequence: missense variant.
Genome position (GRCh38, 1-based): chr2:47,799,877, A>G. VCF-style: chr2-47799877-A-G. GRCh37 (hg19) VCF-style: chr2-48027016-A-G.
Other names: c.1504A>G, p.Lys502Glu (NM_001281492.2); c.988A>G, p.Lys330Glu (NM_001281493.2, NM_001281494.2); short protein forms K632E, K330E, K502E.
Identifiers: ClinVar variation 216302 (VCV000216302.35), dbSNP rs755847154, ClinGen allele CA068250.

ClinVar aggregate classification (germline): Conflicting classifications of pathogenicity. Review status: criteria provided, conflicting classifications (1 of 4 stars). 10 submissions from 10 submitters: Uncertain significance (6); Likely benign (2). 2 of the submissions do not count toward it. Last evaluated 2025-12-08.

Conditions:
Hereditary nonpolyposis colorectal neoplasms. Identifiers: MedGen C0009405, MeSH D003123.
Hereditary cancer-predisposing syndrome. Also called: Hereditary Cancer Syndrome; Hereditary neoplastic syndrome; Neoplastic Syndromes, Hereditary; Tumor predisposition. Identifiers: Orphanet 140162, MedGen C0027672, MeSH D009386, MONDO:0015356.
Lynch syndrome. Identifiers: Orphanet 144, MedGen C4552100, MONDO:0005835. Disease mechanism: loss of function.
Lynch syndrome 5 (LYNCH5). Also called: Hereditary non-polyposis colorectal cancer, type 5; Colorectal cancer, hereditary nonpolyposis, type 5. Identifiers: Orphanet 144, MedGen C1833477, MONDO:0013710, OMIM 614350. Disease mechanism: loss of function.
Malignant tumor of breast. Also called: Cancer breast; Malignant breast neoplasm. Identifiers: MedGen C0006142, MONDO:0007254. Disease mechanism: loss of function.

Allele frequency attached by ClinVar (database versions not stated): gnomAD 0.00001; ExAC 0.00002; TOPMed 0.00003.
gnomAD v4.1: 18 of 1,614,086 alleles (0.0011%); highest among the groups gnomAD compares: Middle Eastern, 0.016%; no homozygotes.

Submissions (10):

Labcorp Genetics (formerly Invitae), Labcorp
Classification: Likely benign for Hereditary nonpolyposis colorectal neoplasms. Last evaluated: 2025-12-08. Review status: criteria provided, single submitter. Criteria: Invitae Variant Classification Sherloc (09022015). Collection method: clinical testing. Allele origin: germline.

Ambry Genetics
Classification: Uncertain significance for Hereditary cancer-predisposing syndrome. Last evaluated: 2025-08-02. Review status: criteria provided, single submitter. Criteria: Ambry Variant Classification Scheme 2023. Collection method: clinical testing. Allele origin: germline.
Comment: The p.K632E variant (also known as c.1894A>G), located in coding exon 4 of the MSH6 gene, results from an A to G substitution at nucleotide position 1894. The lysine at codon 632 is replaced by glutamic acid, an amino acid with similar properties. This amino acid position is highly conserved in available vertebrate species. In addition, this alteration is predicted to be deleterious by in silico analysis. Since supporting evidence is limited at this time, the clinical significance of this alteration remains unclear.

Myriad Genetics, Inc.
Classification: Likely benign for Lynch syndrome 5. Last evaluated: 2025-04-10. Review status: criteria provided, single submitter. Criteria: Myriad Autosomal Dominant, Autosomal Recessive and X-Linked Classification Criteria (2023). Collection method: clinical testing. Allele origin: unknown.
Comment: This variant is considered likely benign. Homozygosity for this variant has been confirmed in one or more individuals lacking clinical features consistent with gene-specific recessive disease, indicating that this variant is unlikely to be pathogenic.

Color Diagnostics, LLC DBA Color Health
Classification: Uncertain significance for Hereditary cancer-predisposing syndrome. Last evaluated: 2024-11-18. Review status: criteria provided, single submitter. Criteria: ACMG Guidelines, 2015. Collection method: clinical testing. Allele origin: germline.
Comment: This missense variant replaces lysine with glutamic acid at codon 632 of the MSH6 protein. Computational prediction suggests that this variant may have deleterious impact on protein structure and function (internally defined REVEL score threshold >= 0.7, PMID: 27666373). To our knowledge, functional studies have not been reported for this variant. This variant has not been reported in individuals affected with MSH6-related disorders in the literature. This variant has been identified in 5/282122 chromosomes in the general population by the Genome Aggregation Database (gnomAD). The available evidence is insufficient to determine the role of this variant in disease conclusively. Therefore, this variant is classified as a Variant of Uncertain Significance.

All of Us Research Program, National Institutes of Health
Classification: Uncertain significance for Lynch syndrome. Last evaluated: 2024-05-14. Review status: criteria provided, single submitter. Criteria: ACMG Guidelines, 2015. Collection method: clinical testing. Allele origin: germline. Inheritance: Autosomal dominant inheritance. Observed: 2 variant alleles, 2 heterozygotes.
Comment: This missense variant replaces lysine with glutamic acid at codon 632 of the MSH6 protein. Computational prediction suggests that this variant may have deleterious impact on protein structure and function (internally defined REVEL score threshold >= 0.7, PMID: 27666373). To our knowledge, functional studies have not been reported for this variant. This variant has not been reported in individuals affected with MSH6-related disorders in the literature. This variant has been identified in 5/282122 chromosomes in the general population by the Genome Aggregation Database (gnomAD). The available evidence is insufficient to determine the role of this variant in disease conclusively. Therefore, this variant is classified as a Variant of Uncertain Significance.

This study involves interpretation of variants in research participants for the purpose of population health screening. Participant phenotype was not available at the time of variant classification. Additional details can be found in publication PMID: 35346344, PMCID: PMC8962531

GeneDx
Classification: Uncertain significance. Last evaluated: 2023-01-18. Review status: criteria provided, single submitter. Criteria: GeneDx Variant Classification Process June 2021. Collection method: clinical testing. Allele origin: germline. Affected: yes.
Comment: Not observed at significant frequency in large population cohorts (gnomAD); In silico analysis supports that this missense variant has a deleterious effect on protein structure/function; Published functional studies suggest this variant does not cause a significant effect on splicing (Morak et al., 2022); Observed in an individual with ovarian and endometrial cancer with concordant tumor studies (Morak et al., 2022); This variant is associated with the following publications: (PMID: 24212087, 17531815, 21120944, 35676339)

Women's Health and Genetics/Laboratory Corporation of America, LabCorp
Classification: Uncertain significance. Last evaluated: 2018-01-29. Review status: criteria provided, single submitter. Criteria: LabCorp Variant Classification Summary - May 2015. Collection method: clinical testing. Allele origin: germline.
Comment: Variant summary: MSH6 c.1894A>G (p.Lys632Glu) results in a conservative amino acid change located in the DNA mismatch repair protein MutS, connector domain (IPR007860) of the encoded protein sequence. Four of five in-silico tools predict a damaging effect of the variant on protein function. The variant allele was found at a frequency of 1.8e-05 in 276694 control chromosomes in gnomAD. This frequency is not significantly higher than expected for a pathogenic variant in MSH6 causing Lynch Syndrome (1.8e-05 vs 1.40E-04), allowing no conclusion about variant significance. To our knowledge, no occurrence of c.1894A>G in individuals affected with Lynch Syndrome and no experimental evidence demonstrating its impact on protein function have been reported. Three clinical diagnostic laboratories have submitted clinical-significance assessments for this variant to ClinVar after 2014 without evidence for independent evaluation. All laboratories classified the variant as uncertain significance. Based on the evidence outlined above, the variant was classified as uncertain significance.

Institute for Biomarker Research, Medical Diagnostic Laboratories, L.L.C.
Classification: Uncertain significance for Hereditary cancer-predisposing syndrome. Last evaluated: 2017-07-12. Review status: criteria provided, single submitter. Criteria: ACMG Guidelines, 2015. Collection method: clinical testing. Allele origin: germline.

Counsyl
Classification: Uncertain significance for Lynch syndrome 5. Last evaluated: 2016-09-07. Review status: no assertion criteria provided. Collection method: clinical testing. Allele origin: unknown. Not counted in ClinVar's aggregate classification.

Department of Pathology and Laboratory Medicine, Sinai Health System
Classification: Uncertain significance for Malignant tumor of breast. Review status: no assertion criteria provided. Collection method: clinical testing. Allele origin: unknown. Affected: yes. Study: The Canadian Open Genetics Repository (COGR). Not counted in ClinVar's aggregate classification.
Comment: The MSH6 p.Lys632Glu variant was not identified in the literature nor was it identified in the UMD-LSDB or Mismatch Repair Genes Variant Database. The variant was identified in dbSNP (ID: rs755847154) as â€šÃ„ÃºWith Uncertain significance alleleâ€šÃ„Ã¹, and ClinVar (classified as uncertain significance by Invitae, Ambry Genetics, Counsyl and Institute for Biomarker Research). The variant was identified in control databases in 5 of 276694 chromosomes at a frequency of 0.00002 (Genome Aggregation Database Feb 27, 2017), observed in the following populations: Latino in 1 of 34406 chromosomes (freq: 0.00003) and European Non-Finnish in 4 of 126322 chromosomes (freq: 0.00003), while not observed in the African, Other, Ashkenazi Jewish, East Asian, Finnish, or South Asian populations. The p.Lys632 residue is conserved in mammals and computational analyses (PolyPhen-2, SIFT, AlignGVGD, BLOSUM, MutationTaster) provide inconsistent predictions regarding the impact to the protein; this information is not very predictive of pathogenicity. The variant occurs outside of the splicing consensus sequence and in silico or computational prediction software programs (SpliceSiteFinder, MaxEntScan, NNSPLICE, GeneSplicer,) do not predict a difference in splicing. In summary, based on the above information the clinical significance of this variant cannot be determined with certainty at this time. This variant is classified as a variant of uncertain significance.

Literature cited by the submitters: PubMed 35676339 (cited by Ambry Genetics).